The following is an entry in ClinVar:

NM_030665.4(RAI1):c.3724C>T (p.Arg1242Trp)

Gene: RAI1 (retinoic acid induced 1; plus strand). Cytogenetic location: 17p11.2.
Variant type: single nucleotide variant.
Coding change: c.3724C>T on transcript NM_030665.4 (MANE Select); coding-DNA position 3724, C replaced by T.
Protein change: p.Arg1242Trp; replaces arginine 1242 with tryptophan.
Molecular consequence: missense variant.
Genome position (GRCh38, 1-based): chr17:17,796,672, C>T. VCF-style: chr17-17796672-C-T. GRCh37 (hg19) VCF-style: chr17-17699986-C-T.
Other names: c.3724C>T (NM_030665.3); short protein forms R1242W.
Identifiers: ClinVar variation 2197592 (VCV002197592.6), dbSNP rs771329558, ClinGen allele CA8418799.

ClinVar aggregate classification (germline): Likely benign. Review status: criteria provided, multiple submitters, no conflicts (2 of 4 stars). 2 submissions from 2 submitters: Likely benign (2). Last evaluated 2025-12-05.

Conditions:
RAI1-related disorder. Also called: RAI1-related condition.

Allele frequency attached by ClinVar (database versions not stated): ExAC 0.00001; gnomAD 0.00002; TOPMed 0.00003.
gnomAD v4.1: 16 of 1,612,590 alleles (0.00099%); highest among the groups gnomAD compares: African/African-American, 0.0053%; no homozygotes.

Submissions (2):

PreventionGenetics, part of Exact Sciences
Classification: Likely benign for RAI1-related condition. Last evaluated: 2025-12-05. Review status: criteria provided, single submitter. Criteria: ACMG Guidelines, 2015. Collection method: clinical testing. Allele origin: germline.
Comment: This variant is classified as likely benign based on ACMG/AMP sequence variant interpretation guidelines (Richards et al. 2015 PMID: 25741868, with internal and published modifications).

Labcorp Genetics (formerly Invitae), Labcorp
Classification: Likely benign. Last evaluated: 2023-10-16. Review status: criteria provided, single submitter. Criteria: Invitae Variant Classification Sherloc (09022015). Collection method: clinical testing. Allele origin: germline.